The following is an entry in ClinVar:

NM_004304.5(ALK):c.2666T>C (p.Leu889Ser)

Gene: ALK (ALK receptor tyrosine kinase; minus strand). Cytogenetic location: 2p23.2.
Variant type: single nucleotide variant.
Coding change: c.2666T>C on transcript NM_004304.5 (MANE Select); coding-DNA position 2666, T replaced by C.
Protein change: p.Leu889Ser; replaces leucine 889 with serine.
Molecular consequence: missense variant.
Genome position (GRCh38, 1-based): chr2:29,229,033, A>G on the plus strand (T>C on the coding strand, the complement: ALK is on the minus strand). VCF-style: chr2-29229033-A-G. GRCh37 (hg19) VCF-style: chr2-29451899-A-G.
Other names: short protein forms L889S.
Identifiers: ClinVar variation 946340 (VCV000946340.13), dbSNP rs1203845715, ClinGen allele CA346470014.

ClinVar aggregate classification (germline): Uncertain significance. Review status: criteria provided, multiple submitters, no conflicts (2 of 4 stars). 2 submissions from 2 submitters: Uncertain significance (2). Last evaluated 2025-08-11.

Conditions:
Hereditary cancer-predisposing syndrome. Also called: Neoplastic Syndromes, Hereditary; Hereditary neoplastic syndrome; Hereditary Cancer Syndrome; Tumor predisposition. Identifiers: Orphanet 140162, MedGen C0027672, MeSH D009386, MONDO:0015356.
Neuroblastoma, susceptibility to, 3. Also called: ALK-Related Neuroblastic Tumor Susceptibility. Identifiers: Orphanet 635, MedGen C2751681, MONDO:0013083, OMIM 613014.

Allele frequency attached by ClinVar (database versions not stated): gnomAD exomes below 0.00001; TOPMed below 0.00001; gnomAD 0.00001.
gnomAD v4.1: 5 of 1,603,084 alleles (0.00031%); highest among the groups gnomAD compares: Non-Finnish European, 0.00034%; no homozygotes.

Submissions (2):

Labcorp Genetics (formerly Invitae), Labcorp
Classification: Uncertain significance for Neuroblastoma, susceptibility to, 3. Last evaluated: 2025-08-11. Review status: criteria provided, single submitter. Criteria: Invitae Variant Classification Sherloc (09022015). Collection method: clinical testing. Allele origin: germline.
Comment: This sequence change replaces leucine, which is neutral and non-polar, with serine, which is neutral and polar, at codon 889 of the ALK protein (p.Leu889Ser). This variant is not present in population databases (gnomAD no frequency). This variant has not been reported in the literature in individuals affected with ALK-related conditions. ClinVar contains an entry for this variant (Variation ID: 946340). An algorithm developed to predict the effect of missense changes on protein structure and function (PolyPhen-2) suggests that this variant is likely to be disruptive. In summary, the available evidence is currently insufficient to determine the role of this variant in disease. Therefore, it has been classified as a Variant of Uncertain Significance.

Ambry Genetics
Classification: Uncertain significance for Hereditary cancer-predisposing syndrome. Last evaluated: 2024-05-31. Review status: criteria provided, single submitter. Criteria: Ambry Variant Classification Scheme 2023. Collection method: clinical testing. Allele origin: germline.
Comment: The p.L889S variant (also known as c.2666T>C), located in coding exon 16 of the ALK gene, results from a T to C substitution at nucleotide position 2666. The leucine at codon 889 is replaced by serine, an amino acid with dissimilar properties. This amino acid position is conserved. In addition, this alteration is predicted to be tolerated by in silico analysis. Since supporting evidence is limited at this time, the clinical significance of this alteration remains unclear.